The following is an entry in ClinVar:

NM_005033.3(EXOSC9):c.1087G>A (p.Asp363Asn)

Gene: EXOSC9 (exosome component 9; plus strand). Cytogenetic location: 4q27.
Variant type: single nucleotide variant.
Coding change: c.1087G>A on transcript NM_005033.3 (MANE Select); coding-DNA position 1087, G replaced by A.
Protein change: p.Asp363Asn; replaces aspartic acid 363 with asparagine.
Molecular consequence: missense variant.
Genome position (GRCh38, 1-based): chr4:121,813,978, G>A. VCF-style: chr4-121813978-G-A. GRCh37 (hg19) VCF-style: chr4-122735133-G-A.
Other names: c.1087G>A, p.Asp363Asn (NM_001034194.2); short protein forms D363N.
Identifiers: ClinVar variation 1491514 (VCV001491514.6), dbSNP rs2149039210, ClinGen allele CA358046272.

ClinVar aggregate classification (germline): Uncertain significance (1 of 4 stars; one submission).

gnomAD v4.1: 4 of 1,613,550 alleles (0.00025%); highest among the groups gnomAD compares: South Asian, 0.0011%; no homozygotes.

Submission:

Labcorp Genetics (formerly Invitae), Labcorp
Classification: Uncertain significance. Last evaluated: 2021-11-08. Review status: criteria provided, single submitter. Criteria: Invitae Variant Classification Sherloc (09022015). Collection method: clinical testing. Allele origin: germline.
Comment: This sequence change replaces aspartic acid, which is acidic and polar, with asparagine, which is neutral and polar, at codon 363 of the EXOSC9 protein (p.Asp363Asn). This variant is not present in population databases (gnomAD no frequency). This variant has not been reported in the literature in individuals affected with EXOSC9-related conditions. Algorithms developed to predict the effect of missense changes on protein structure and function (SIFT, PolyPhen-2, Align-GVGD) all suggest that this variant is likely to be tolerated. In summary, the available evidence is currently insufficient to determine the role of this variant in disease. Therefore, it has been classified as a Variant of Uncertain Significance.